The following is an entry in ClinVar:

ClinVar aggregate classification (germline): Likely pathogenic (1 of 4 stars; one submission).

Conditions:
Camptomelic dysplasia (CMPD). Also called: CMPD1/SRA1; Campomelic Dysplasia. Identifiers: Orphanet 140, MedGen C1861922, MONDO:0007251, OMIM 114290.

Submission:

Juno Genomics, Hangzhou Juno Genomics, Inc
Classification: Likely pathogenic for Camptomelic dysplasia. Review status: criteria provided, single submitter. Criteria: ACMG Guidelines, 2015. Collection method: clinical testing. Allele origin: germline. Affected: yes.
Comment: Absent from controls (or at extremely low frequency if recessive) in Genome Aggregation Database, Exome Sequencing Project, 1000 Genomes Project, or Exome Aggregation Consortium.;De novo (both maternity and paternity confirmed) in a patient with the disease and no family history.;Null variant in a gene where loss of function (LOF) is a known mechanism of disease.

NM_000346.4(SOX9):c.1225G>T (p.Glu409Ter)

Gene: SOX9 (SRY-box transcription factor 9; plus strand). Cytogenetic location: 17q24.3.
Variant type: single nucleotide variant.
Coding change: c.1225G>T on transcript NM_000346.4 (MANE Select); coding-DNA position 1225, G replaced by T.
Protein change: p.Glu409Ter; replaces glutamic acid 409 with a stop codon.
Molecular consequence: nonsense.
Genome position (GRCh38, 1-based): chr17:72,124,082, G>T. VCF-style: chr17-72124082-G-T. GRCh37 (hg19) VCF-style: chr17-70120223-G-T.
Other names: short protein forms E409*.
Identifiers: ClinVar variation 3382698 (VCV003382698.2).